The following is an entry in ClinVar:

ClinVar aggregate classification (germline): Uncertain significance (1 of 4 stars; one submission).

Allele frequency attached by ClinVar (database versions not stated): gnomAD exomes below 0.00001.
gnomAD v4.1: 1 of 1,611,968 alleles (0.000062%); highest among the groups gnomAD compares: Non-Finnish European, 0.000085%; no homozygotes.

Submission:

Labcorp Genetics (formerly Invitae), Labcorp
Classification: Uncertain significance. Last evaluated: 2022-03-10. Review status: criteria provided, single submitter. Criteria: Invitae Variant Classification Sherloc (09022015). Collection method: clinical testing. Allele origin: germline.
Comment: This sequence change replaces valine, which is neutral and non-polar, with isoleucine, which is neutral and non-polar, at codon 60 of the P2RX2 protein (p.Val60Ile). This variant is not present in population databases (gnomAD no frequency). In summary, the available evidence is currently insufficient to determine the role of this variant in disease. Therefore, it has been classified as a Variant of Uncertain Significance. This variant disrupts the p.Val60 amino acid residue in P2RX2. Other variant(s) that disrupt this residue have been determined to be pathogenic (PMID: 23345450, 29986705). This suggests that this residue is clinically significant, and that variants that disrupt this residue are likely to be disease-causing. Algorithms developed to predict the effect of sequence changes on RNA splicing suggest that this variant may disrupt the consensus splice site. Algorithms developed to predict the effect of missense changes on protein structure and function are either unavailable or do not agree on the potential impact of this missense change (SIFT: "Deleterious"; PolyPhen-2: "Possibly Damaging"; Align-GVGD: "Class C0"). This missense change has been observed in at least one individual who was not affected with P2RX2-related conditions (Invitae). This variant has not been reported in the literature in individuals affected with P2RX2-related conditions.

Literature cited by the submitters: PubMed 23345450; PubMed 29986705.

NM_170682.4(P2RX2):c.178G>A (p.Val60Ile)

Gene: P2RX2 (purinergic receptor P2X 2; plus strand). Cytogenetic location: 12q24.33.
Variant type: single nucleotide variant.
Coding change: c.178G>A on transcript NM_170682.4 (MANE Select); coding-DNA position 178, G replaced by A.
Protein change: p.Val60Ile; replaces valine 60 with isoleucine.
Molecular consequence: missense variant. On other transcripts: intron variant (1).
Genome position (GRCh38, 1-based): chr12:132,619,443, G>A. VCF-style: chr12-132619443-G-A. GRCh37 (hg19) VCF-style: chr12-133196029-G-A.
Other names: c.178G>A, p.Val60Ile (NM_001282164.2, NM_001282165.2, NM_016318.4 and 2 more transcripts); c.110G>A, p.Arg37His (NM_012226.5); c.106-401G>A (NM_174872.3); short protein forms R37H, V60I.
Identifiers: ClinVar variation 1355195 (VCV001355195.6), dbSNP rs587777692, ClinGen allele CA387357234.
Genomic context (GRCh38, chr12:132,619,443, plus strand): 5'-GCGGGACTCAGCCTTCCCAGGGTCGCCTCCGGAGCCGGCGCCGCCCCTGCCCGCAGGTAC[G>A]TATTCATCGTGCAGAAAAGCTACCAGGAGAGCGAGACGGGCCCCGAGAGCTCCATCATCA-3'
Protein context (NP_733782.1, residues 50-70): LLILLYFVWY[Val60Ile]FIVQKSYQES